The following is an entry in ClinVar:

NM_000093.5(COL5A1):c.4064C>T (p.Pro1355Leu)

Gene: COL5A1 (collagen type V alpha 1 chain; plus strand). Cytogenetic location: 9q34.3.
Variant type: single nucleotide variant.
Coding change: c.4064C>T on transcript NM_000093.5 (MANE Select); coding-DNA position 4064, C replaced by T.
Protein change: p.Pro1355Leu; replaces proline 1355 with leucine.
Molecular consequence: missense variant.
Genome position (GRCh38, 1-based): chr9:134,815,625, C>T. VCF-style: chr9-134815625-C-T. GRCh37 (hg19) VCF-style: chr9-137707471-C-T.
Other names: c.4064C>T (NM_000093.4); c.4064C>T, p.Pro1355Leu (NM_001278074.1); short protein forms P1355L.
Identifiers: ClinVar variation 1051709 (VCV001051709.50), dbSNP rs2132855475, ClinGen allele CA375456302.

ClinVar aggregate classification (germline): Uncertain significance (1 of 4 stars; one submission).

Conditions:
Ehlers-Danlos syndrome, classic type, 2 (EDSCL2). Also called: Ehlers-Danlos syndrome type 2 (formerly); Ehlers-Danlos Syndrome, Classic Type, COL5A2-Related; Ehlers-Danlos syndrome, type 2. Identifiers: Orphanet 287, Orphanet 90318, MedGen C0268336, MONDO:0019568, OMIM 130010.
Ehlers-Danlos syndrome, classic type, 1 (EDSCL1). Also called: EHLERS-DANLOS SYNDROME, GRAVIS TYPE; EHLERS-DANLOS SYNDROME, SEVERE CLASSIC TYPE; EDS I; Ehlers-Danlos Syndrome, Classic Type, COL5A1-Related; Ehlers-Danlos syndrome, type 1. Identifiers: MedGen C0268335, MONDO:0019567, OMIM 130000.

Submission:

Labcorp Genetics (formerly Invitae), Labcorp
Classification: Uncertain significance for Ehlers-Danlos syndrome, classic type, 1. Last evaluated: 2022-07-19. Review status: criteria provided, single submitter. Criteria: Invitae Variant Classification Sherloc (09022015). Collection method: clinical testing. Allele origin: germline.
Comment: In summary, the available evidence is currently insufficient to determine the role of this variant in disease. Therefore, it has been classified as a Variant of Uncertain Significance. Advanced modeling of protein sequence and biophysical properties (such as structural, functional, and spatial information, amino acid conservation, physicochemical variation, residue mobility, and thermodynamic stability) performed at Invitae indicates that this missense variant is not expected to disrupt COL5A1 protein function. ClinVar contains an entry for this variant (Variation ID: 1051709). This variant has not been reported in the literature in individuals affected with COL5A1-related conditions. This variant is not present in population databases (gnomAD no frequency). This sequence change replaces proline, which is neutral and non-polar, with leucine, which is neutral and non-polar, at codon 1355 of the COL5A1 protein (p.Pro1355Leu).